The following is an entry in ClinVar:

NC_000023.11:g.(32217064_32287528)_(32310277_32342099)del

Gene: DMD (dystrophin; minus strand). Cytogenetic location: Xp21.1.
Variant type: Deletion.
Identifiers: ClinVar variation 981978 (VCV000981978.1).

ClinVar aggregate classification (germline): Pathogenic (1 of 4 stars; one submission).

Conditions:
Neuromuscular disease caused by qualitative or quantitative defects of dystrophin. Also called: Qualitative or quantitative defects of dystrophin. Identifiers: Orphanet 207085, MedGen C5679787, MONDO:0016147.

Submission:

Women's Health and Genetics/Laboratory Corporation of America, LabCorp
Classification: Pathogenic for Dystrophinopathies. Last evaluated: 2019-10-17. Review status: criteria provided, single submitter. Criteria: LabCorp Variant Classification Summary - May 2015. Collection method: clinical testing. Allele origin: germline.
Comment: Variant summary: The variant identified by MLPA or other technology involves the deletion of exon 42-43 in the DMD gene. A presumed nomenclature of c.(5922+1_5923-1)_(6290+1_6291-1)del has been designated for the purposes of this classification. Although exact breakpoints of this deletion are not known, it is expected to result in a large out-of-frame deletion change in the DMD gene, a known mechanism of disease. The variant was absent in 21430 control chromosomes (gnomAD SVs). The variant, c.(5922+1_5923-1)_(6290+1_6291-1)del, has been reported in the literature in multiple individuals affected with DMD, BMD, intermediate muscular dystrophy or neuromuscular disorders (Morandi_1995, Janssen_2005, delGaudio_2008, Piluso_2011, Anthony_2014). One clinical diagnostic laboratory has submitted clinical-significance assessment for this variant to ClinVar after 2014 and classified the variant as pathogenic. Based on the evidence outlined above, the variant was classified as pathogenic.

Literature cited by the submitters: PubMed 24217213; PubMed 15655674; PubMed 8543940; PubMed 21896784; PubMed 18752307.